The following is an entry in ClinVar:

ClinVar aggregate classification (germline): Uncertain significance (1 of 4 stars; one submission).

Conditions:
Hereditary sensory neuropathy-deafness-dementia syndrome. Also called: HSN IE; Hereditary Sensory and Autonomic Neuropathy Type 1E (HSAN1E); Hereditary sensory neuropathy type IE; NEUROPATHY, HEREDITARY SENSORY, WITH HEARING LOSS AND DEMENTIA. Identifiers: Orphanet 456318, MedGen C3279885, MONDO:0013584, OMIM 614116.

Submission:

Labcorp Genetics (formerly Invitae), Labcorp
Classification: Uncertain significance for Hereditary sensory neuropathy-deafness-dementia syndrome. Last evaluated: 2021-06-15. Review status: criteria provided, single submitter. Criteria: Invitae Variant Classification Sherloc (09022015). Collection method: clinical testing. Allele origin: germline.
Comment: In summary, the available evidence is currently insufficient to determine the role of this variant in disease. Therefore, it has been classified as a Variant of Uncertain Significance. Algorithms developed to predict the effect of missense changes on protein structure and function are either unavailable or do not agree on the potential impact of this missense change (SIFT: "Deleterious"; PolyPhen-2: "Probably Damaging"; Align-GVGD: "Class C15"). This variant has not been reported in the literature in individuals with DNMT1-related conditions. This variant is not present in population databases (ExAC no frequency). This sequence change replaces cysteine with tryptophan at codon 372 of the DNMT1 protein (p.Cys372Trp). The cysteine residue is highly conserved and there is a large physicochemical difference between cysteine and tryptophan.

NM_001130823.3(DNMT1):c.1116C>G (p.Cys372Trp)

Gene: DNMT1 (DNA methyltransferase 1; minus strand). Cytogenetic location: 19p13.2.
Variant type: single nucleotide variant.
Coding change: c.1116C>G on transcript NM_001130823.3 (MANE Select); coding-DNA position 1116, C replaced by G.
Protein change: p.Cys372Trp; replaces cysteine 372 with tryptophan.
Molecular consequence: missense variant.
Genome position (GRCh38, 1-based): chr19:10,159,896, G>C on the plus strand (C>G on the coding strand, the complement: DNMT1 is on the minus strand). VCF-style: chr19-10159896-G-C. GRCh37 (hg19) VCF-style: chr19-10270572-G-C.
Other names: c.1068C>G, p.Cys356Trp (NM_001318730.2, NM_001379.4); c.753C>G, p.Cys251Trp (NM_001318731.2); short protein forms C251W, C356W, C372W.
Identifiers: ClinVar variation 1422544 (VCV001422544.8), dbSNP rs147382114, ClinGen allele CA403939741.